The following is an entry in ClinVar:

NM_003482.4(KMT2D):c.13223C>T (p.Pro4408Leu)

Gene: KMT2D (lysine methyltransferase 2D; minus strand). Cytogenetic location: 12q13.12.
Variant type: single nucleotide variant.
Coding change: c.13223C>T on transcript NM_003482.4 (MANE Select); coding-DNA position 13223, C replaced by T.
Protein change: p.Pro4408Leu; replaces proline 4408 with leucine.
Molecular consequence: missense variant.
Genome position (GRCh38, 1-based): chr12:49,031,482, G>A on the plus strand (C>T on the coding strand, the complement: KMT2D is on the minus strand). VCF-style: chr12-49031482-G-A. GRCh37 (hg19) VCF-style: chr12-49425265-G-A.
Other names: short protein forms P4408L.
Identifiers: ClinVar variation 3348072 (VCV003348072.2).

ClinVar aggregate classification (germline): Benign. Review status: criteria provided, single submitter (1 of 4 stars). 2 submissions from 2 submitters: Benign (1). 1 of the submissions does not count toward it. Last evaluated 2025-12-03.

Conditions:
Kabuki syndrome. Also called: NIIKAWA-KUROKI SYNDROME; Kabuki make-up syndrome. Identifiers: Orphanet 2322, MedGen C0796004, MONDO:0016512.
KMT2D-related disorder. Also called: KMT2D-Related Disorders.

gnomAD v4.1: 4 of 1,613,332 alleles (0.00025%); highest among the groups gnomAD compares: East Asian, 0.0089%; no homozygotes.

Submissions (2):

Labcorp Genetics (formerly Invitae), Labcorp
Classification: Benign for Kabuki syndrome. Last evaluated: 2025-12-03. Review status: criteria provided, single submitter. Criteria: Invitae Variant Classification Sherloc (09022015). Collection method: clinical testing. Allele origin: germline.

PreventionGenetics, part of Exact Sciences
Classification: Uncertain significance for KMT2D-related condition. Last evaluated: 2024-03-22. Review status: no assertion criteria provided. Collection method: clinical testing. Allele origin: germline. Not counted in ClinVar's aggregate classification.
Comment: The KMT2D c.13223C>T variant is predicted to result in the amino acid substitution p.Pro4408Leu. To our knowledge, this variant has not been reported in the literature. This variant is reported in 0.017% of alleles in individuals of East Asian descent in gnomAD. Although we suspect that this variant may be benign, at this time, the clinical significance of this variant is uncertain due to the absence of conclusive functional and genetic evidence.